The following is an entry in ClinVar:

NM_001379081.2(FREM1):c.6512A>G (p.His2171Arg)

Gene: FREM1 (FRAS1 related extracellular matrix 1; minus strand). Cytogenetic location: 9p22.3.
Variant type: single nucleotide variant.
Coding change: c.6512A>G on transcript NM_001379081.2 (MANE Select); coding-DNA position 6512, A replaced by G.
Protein change: p.His2171Arg; replaces histidine 2171 with arginine.
Molecular consequence: missense variant. On other transcripts: 3 prime UTR variant (1), non-coding transcript variant (3).
Genome position (GRCh38, 1-based): chr9:14,737,424, T>C on the plus strand (A>G on the coding strand, the complement: FREM1 is on the minus strand). VCF-style: chr9-14737424-T-C. GRCh37 (hg19) VCF-style: chr9-14737422-T-C.
Other names: c.2120A>G, p.His707Arg (NM_001177704.3, NM_001370061.2); c.*123A>G (NM_001370058.2); c.6512A>G, p.His2171Arg (NM_144966.7); short protein forms H2171R, H707R.
Identifiers: ClinVar variation 1721840 (VCV001721840.5), dbSNP rs2538955754, ClinGen allele CA372961060.

ClinVar aggregate classification (germline): Uncertain significance (1 of 4 stars; one submission).

Submission:

Labcorp Genetics (formerly Invitae), Labcorp
Classification: Uncertain significance. Last evaluated: 2022-07-21. Review status: criteria provided, single submitter. Criteria: Invitae Variant Classification Sherloc (09022015). Collection method: clinical testing. Allele origin: germline.
Comment: This sequence change replaces histidine, which is basic and polar, with arginine, which is basic and polar, at codon 2171 of the FREM1 protein (p.His2171Arg). In summary, the available evidence is currently insufficient to determine the role of this variant in disease. Therefore, it has been classified as a Variant of Uncertain Significance. Algorithms developed to predict the effect of missense changes on protein structure and function are either unavailable or do not agree on the potential impact of this missense change (SIFT: "Deleterious"; PolyPhen-2: "Benign"; Align-GVGD: "Class C0"). This variant has not been reported in the literature in individuals affected with FREM1-related conditions. This variant is not present in population databases (gnomAD no frequency).